The following is an entry in ClinVar:

NM_007194.4(CHEK2):c.298C>A (p.Gln100Lys)

Gene: CHEK2 (checkpoint kinase 2; minus strand). Cytogenetic location: 22q12.1.
Variant type: single nucleotide variant.
Coding change: c.298C>A on transcript NM_007194.4 (MANE Select); coding-DNA position 298, C replaced by A.
Protein change: p.Gln100Lys; replaces glutamine 100 with lysine.
Molecular consequence: missense variant.
Genome position (GRCh38, 1-based): chr22:28,734,424, G>T on the plus strand (C>A on the coding strand, the complement: CHEK2 is on the minus strand). VCF-style: chr22-28734424-G-T. GRCh37 (hg19) VCF-style: chr22-29130412-G-T.
Other names: c.298C>A, p.Gln100Lys (NM_001005735.3, NM_001349956.3, NM_145862.3); c.-480C>A (NM_001257387.3); short protein forms Q100K.
Identifiers: ClinVar variation 923109 (VCV000923109.3), dbSNP rs2054311767, ClinGen allele CA411090283.

ClinVar aggregate classification (germline): Uncertain significance (1 of 4 stars; one submission).

Conditions:
Hereditary cancer-predisposing syndrome. Also called: Neoplastic Syndromes, Hereditary; Tumor predisposition; Hereditary Cancer Syndrome; Hereditary neoplastic syndrome. Identifiers: Orphanet 140162, MedGen C0027672, MeSH D009386, MONDO:0015356.

gnomAD v4.1: 1 of 1,613,954 alleles (0.000062%); highest among the groups gnomAD compares: South Asian, 0.0011%; no homozygotes.

Submission:

Color Diagnostics, LLC DBA Color Health
Classification: Uncertain significance for Hereditary cancer-predisposing syndrome. Last evaluated: 2023-12-04. Review status: criteria provided, single submitter. Criteria: ACMG Guidelines, 2015. Collection method: clinical testing. Allele origin: germline.
Comment: This missense variant replaces glutamine with lysine at codon 100 of the CHEK2 protein. Computational prediction suggests that this variant may not impact protein structure and function (internally defined REVEL score threshold <= 0.5, PMID: 27666373). To our knowledge, functional studies have not been reported for this variant. This variant has not been reported in individuals affected with CHEK2-related disorders in the literature. This variant has not been identified in the general population by the Genome Aggregation Database (gnomAD). The available evidence is insufficient to determine the role of this variant in disease conclusively. Therefore, this variant is classified as a Variant of Uncertain Significance.